The following is an entry in ClinVar:

NM_001042492.3(NF1):c.6819+2T>G

Gene: NF1 (neurofibromin 1; plus strand). Cytogenetic location: 17q11.2.
Variant type: single nucleotide variant.
Coding change: c.6819+2T>G on transcript NM_001042492.3 (MANE Select); the canonical splice donor site of the intron after coding-DNA position 6819, T replaced by G.
Molecular consequence: splice donor variant.
Genome position (GRCh38, 1-based): chr17:31,338,141, T>G. VCF-style: chr17-31338141-T-G. GRCh37 (hg19) VCF-style: chr17-29665159-T-G.
Other names: c.6756+2T>G (NM_000267.4).
Identifiers: ClinVar variation 950585 (VCV000950585.9), dbSNP rs1135402894, ClinGen allele CA399014231.

ClinVar aggregate classification (germline): Pathogenic. Review status: criteria provided, multiple submitters, no conflicts (2 of 4 stars). 3 submissions from 3 submitters: Pathogenic (2). 1 of the submissions does not count toward it. Last evaluated 2025-09-25.

Conditions:
Neurofibromatosis, type 1 (NF1). Also called: VON RECKLINGHAUSEN DISEASE; NEUROFIBROMATOSIS, TYPE I, SOMATIC; Peripheral type neurofibromatosis; Neurofibromatosis, type I. Identifiers: Orphanet 636, MedGen C0027831, MONDO:0018975, OMIM 162200. Disease mechanism: loss of function.

Submissions (3):

NHS Central & South Genomic Laboratory Hub
Classification: Pathogenic for Neurofibromatosis type 1. Last evaluated: 2025-09-25. Review status: criteria provided, single submitter. Criteria: ACMG Guidelines, 2015. Collection method: clinical testing. Allele origin: germline. Affected: yes.

Labcorp Genetics (formerly Invitae), Labcorp
Classification: Pathogenic for Neurofibromatosis, type 1. Last evaluated: 2021-11-09. Review status: criteria provided, single submitter. Criteria: Invitae Variant Classification Sherloc (09022015). Collection method: clinical testing. Allele origin: germline.
Comment: This sequence change affects a donor splice site in intron 44 of the NF1 gene. It is expected to disrupt RNA splicing. Variants that disrupt the donor or acceptor splice site typically lead to a loss of protein function (PMID: 16199547), and loss-of-function variants in NF1 are known to be pathogenic (PMID: 10712197, 23913538). This variant is not present in population databases (gnomAD no frequency). Disruption of this splice site has been observed in individuals with neurofibromatosis (PMID: 12552569, 18546366, 20358387, 30308447). This variant is also known as c.6819+2T>G. ClinVar contains an entry for this variant (Variation ID: 950585). Algorithms developed to predict the effect of sequence changes on RNA splicing suggest that this variant may disrupt the consensus splice site. For these reasons, this variant has been classified as Pathogenic.

Laboratory of Medical Genetics, National & Kapodistrian University of Athens
Classification: Pathogenic for Neurofibromatosis, type 1. Last evaluated: 2019-01-01. Review status: no assertion criteria provided. Collection method: clinical testing. Allele origin: germline. Affected: yes. Not counted in ClinVar's aggregate classification.

Literature cited by the submitters: PubMed 16199547 (cited by Labcorp Genetics (formerly Invitae), Labcorp); PubMed 10712197 (cited by Labcorp Genetics (formerly Invitae), Labcorp); PubMed 23913538 (cited by Labcorp Genetics (formerly Invitae), Labcorp); PubMed 12552569 (cited by Labcorp Genetics (formerly Invitae), Labcorp); PubMed 18546366 (cited by Labcorp Genetics (formerly Invitae), Labcorp); PubMed 20358387 (cited by Labcorp Genetics (formerly Invitae), Labcorp); PubMed 30308447 (cited by Labcorp Genetics (formerly Invitae), Labcorp).